The following is an entry in ClinVar:

ClinVar aggregate classification (germline): Conflicting classifications of pathogenicity. Review status: criteria provided, conflicting classifications (1 of 4 stars). 12 submissions from 12 submitters: Uncertain significance (8); Likely benign (4). Last evaluated 2026-01-20.

Conditions:
DYSF-related disorder. Also called: DYSF-related condition; DYSF-related disorders.
Autosomal recessive limb-girdle muscular dystrophy. Identifiers: Orphanet 102015, MedGen C2931907, MONDO:0015152.
Neuromuscular disease caused by qualitative or quantitative defects of dysferlin. Also called: Dysferlinopathy; Qualitative or quantitative defects of dysferlin. Identifiers: Orphanet 207073, MedGen C2931687, MONDO:0016145.
Autosomal recessive limb-girdle muscular dystrophy type 2B (LGMDR2). Also called: MUSCULAR DYSTROPHY, LIMB-GIRDLE, AUTOSOMAL RECESSIVE 2; Limb-girdle muscular dystrophy, type 2B; Limb-Girdle Muscular Dystrophy Type 2B (LGMD2B); MUSCULAR DYSTROPHY, LIMB-GIRDLE, TYPE 3. Identifiers: Orphanet 268, MedGen C1850889, MONDO:0009676, OMIM 253601.
Miyoshi muscular dystrophy 1 (MMD1). Identifiers: Orphanet 45448, MedGen C4551973, MONDO:0024545, OMIM 254130.

Allele frequency attached by ClinVar (database versions not stated): ESP Exome Variant Server 0.00008; TOPMed 0.00013; 1000 Genomes Project 0.00020; 1000 Genomes Project 30x 0.00031; ExAC 0.00046; gnomAD 0.00046 and 0.00049; gnomAD exomes 0.00056.
gnomAD v4.1: 663 of 1,614,198 alleles (0.041%); highest among the groups gnomAD compares: East Asian, 0.047%; 2 homozygotes.

Submissions (12):

Labcorp Genetics (formerly Invitae), Labcorp
Classification: Likely benign for Neuromuscular disease caused by qualitative or quantitative defects of dysferlin. Last evaluated: 2026-01-20. Review status: criteria provided, single submitter. Criteria: Invitae Variant Classification Sherloc (09022015). Collection method: clinical testing. Allele origin: germline.

Myriad Genetics, Inc.
Classification: Uncertain significance for Autosomal recessive limb-girdle muscular dystrophy. Last evaluated: 2025-08-25. Review status: criteria provided, single submitter. Criteria: Myriad Autosomal Dominant, Autosomal Recessive and X-Linked Classification Criteria (2023). Collection method: clinical testing. Allele origin: unknown.
Comment: NM_003494.3(DYSF):c.5026G>T(A1676S) is a missense variant classified as a variant of uncertain significance in the context of dysferlinopathy. A1676S has been observed in cases with relevant disease (PMID: 39678382). Relevant functional assessments of this variant are not available in the literature. A1676S has been observed in referenced population frequency databases. In summary, there is insufficient evidence to classify NM_003494.3(DYSF):c.5026G>T(A1676S) as pathogenic or benign. Please note: this variant was assessed in the context of healthy population screening.

PreventionGenetics, part of Exact Sciences
Classification: Likely benign for DYSF-related condition. Last evaluated: 2025-03-25. Review status: criteria provided, single submitter. Criteria: ACMG Guidelines, 2015. Collection method: clinical testing. Allele origin: germline.
Comment: This variant is classified as likely benign based on ACMG/AMP sequence variant interpretation guidelines (Richards et al. 2015 PMID: 25741868, with internal and published modifications).

Blueprint Genetics
Classification: Likely benign. Last evaluated: 2024-11-14. Review status: criteria provided, single submitter. Criteria: ACMG Guidelines, 2015. Collection method: clinical testing. Allele origin: germline.

Revvity Omics, Revvity
Classification: Uncertain significance. Last evaluated: 2023-06-29. Review status: criteria provided, single submitter. Criteria: ACMG Guidelines, 2015. Collection method: clinical testing. Allele origin: germline.

CeGaT Center for Human Genetics Tuebingen
Classification: Uncertain significance. Last evaluated: 2021-06-01. Review status: criteria provided, single submitter. Criteria: CeGaT Center For Human Genetics Tuebingen Variant Classification Criteria Version 2. Collection method: clinical testing. Allele origin: germline. Affected: yes. Observed: 1 variant allele.

Pars Genome Lab
Classification: Uncertain significance for Miyoshi muscular dystrophy 1. Last evaluated: 2021-05-18. Review status: criteria provided, single submitter. Criteria: ACMG Guidelines, 2015. Collection method: clinical testing. Allele origin: germline. Affected: no.

GeneDx
Classification: Likely benign. Last evaluated: 2020-02-27. Review status: criteria provided, single submitter. Criteria: GeneDx Variant Classification Process June 2021. Collection method: clinical testing. Allele origin: germline. Affected: yes.

Mendelics
Classification: Uncertain significance for Autosomal recessive limb-girdle muscular dystrophy type 2B. Last evaluated: 2019-05-28. Review status: criteria provided, single submitter. Criteria: Mendelics Assertion Criteria 2017. Collection method: clinical testing. Allele origin: unknown.

Eurofins Ntd Llc (ga)
Classification: Uncertain significance. Last evaluated: 2018-06-19. Review status: criteria provided, single submitter. Criteria: EGL ClinVar v180209 classification definitions. Collection method: clinical testing. Allele origin: germline. Observed: 3 variant alleles, 3 heterozygotes.

Illumina Laboratory Services, Illumina
Classification: Uncertain significance for Qualitative or quantitative defects of dysferlin. Last evaluated: 2018-01-13. Review status: criteria provided, single submitter. Criteria: ICSL Variant Classification Criteria 13 December 2019. Collection method: clinical testing. Allele origin: germline.

Athena Diagnostics
Classification: Uncertain significance. Last evaluated: 2017-02-15. Review status: criteria provided, single submitter. Criteria: Athena Diagnostics Criteria. Collection method: clinical testing. Allele origin: germline.

Literature cited by the submitters: PubMed 39678382 (cited by Myriad Genetics, Inc.).

NM_001130987.2(DYSF):c.5143G>T (p.Ala1715Ser)

Gene: DYSF (dysferlin; plus strand). Cytogenetic location: 2p13.2.
Variant type: single nucleotide variant.
Coding change: c.5143G>T on transcript NM_001130987.2 (MANE Select); coding-DNA position 5143, G replaced by T.
Protein change: p.Ala1715Ser; replaces alanine 1715 with serine.
Molecular consequence: missense variant.
Genome position (GRCh38, 1-based): chr2:71,664,407, G>T. VCF-style: chr2-71664407-G-T. GRCh37 (hg19) VCF-style: chr2-71891537-G-T.
Other names: c.5029G>T, p.Ala1677Ser (NM_001130455.2); c.4984G>T, p.Ala1662Ser (NM_001130976.2); c.5047G>T, p.Ala1683Ser (NM_001130977.2); c.5089G>T, p.Ala1697Ser (NM_001130978.2); c.5119G>T, p.Ala1707Ser (NM_001130979.2); c.5077G>T, p.Ala1693Ser (NM_001130980.2); c.5140G>T, p.Ala1714Ser (NM_001130981.2); c.5122G>T, p.Ala1708Ser (NM_001130982.2); and 5 more; short protein forms A1715S, A1676S, A1693S, A1714S, A1662S, A1694S, A1698S, A1707S.
Identifiers: ClinVar variation 288630 (VCV000288630.63), dbSNP rs141137410, ClinGen allele CA1707253.